The following is an entry in ClinVar:

NM_001267550.2(TTN):c.102476T>C (p.Ile34159Thr)

Genes: TTN-AS1 (TTN antisense RNA 1; plus strand), TTN (titin; minus strand). Cytogenetic location: 2q31.2.
Variant type: single nucleotide variant.
Coding change: c.102476T>C on transcript NM_001267550.2 (MANE Select); coding-DNA position 102476, T replaced by C.
Protein change: p.Ile34159Thr; replaces isoleucine 34159 with threonine.
Molecular consequence: missense variant.
Genome position (GRCh38, 1-based): chr2:178,534,139, A>G on the plus strand (T>C on the coding strand, the complement: TTN is on the minus strand). VCF-style: chr2-178534139-A-G. GRCh37 (hg19) VCF-style: chr2-179398866-A-G.
Other names: c.97553T>C, p.Ile32518Thr (NM_001256850.1); c.75281T>C, p.Ile25094Thr (NM_003319.4); c.94772T>C, p.Ile31591Thr (NM_133378.4); c.75656T>C, p.Ile25219Thr (NM_133432.3); c.75857T>C, p.Ile25286Thr (NM_133437.4); short protein forms I25286T, I25094T, I32518T, I31591T, I34159T, I25219T.
Identifiers: ClinVar variation 1040592 (VCV001040592.9), dbSNP rs1690397017, ClinGen allele CA349417453.
Genomic context (GRCh38, chr2:178,534,139, plus strand): 5'-TTCTCCAGCTGTCGGACGCCAAAGTACCAAGTCACTTGGGTAGACTGATCATAATTTTCA[A>G]TTTTGCATACATATTTGACATGTCCTCCTTCTTCACCAACTGCATGCATTATCTGCCCAG-3'
Protein context (NP_001254479.2, residues 34149-34169): EGGHVKYVCK[Ile34159Thr]ENYDQSTQVT

ClinVar aggregate classification (germline): Uncertain significance (1 of 4 stars; one submission).

Conditions:
Dilated cardiomyopathy 1G (CMD1G). Identifiers: Orphanet 154, MedGen C1858763, MONDO:0011400, OMIM 604145.
Autosomal recessive limb-girdle muscular dystrophy type 2J (LGMDR10). Also called: Limb-girdle muscular dystrophy, type 2J; MUSCULAR DYSTROPHY, LIMB-GIRDLE, AUTOSOMAL RECESSIVE 10. Identifiers: Orphanet 140922, MedGen C1837342, MONDO:0012127, OMIM 608807.

Allele frequency attached by ClinVar (database versions not stated): gnomAD exomes below 0.00001.
gnomAD v4.1: 1 of 1,613,880 alleles (0.000062%); highest among the groups gnomAD compares: Non-Finnish European, 0.000085%; no homozygotes.

Submission:

Labcorp Genetics (formerly Invitae), Labcorp
Classification: Uncertain significance for Dilated cardiomyopathy 1G; Autosomal recessive limb-girdle muscular dystrophy type 2J. Last evaluated: 2024-09-06. Review status: criteria provided, single submitter. Criteria: Invitae Variant Classification Sherloc (09022015). Collection method: clinical testing. Allele origin: germline.
Comment: This sequence change replaces isoleucine, which is neutral and non-polar, with threonine, which is neutral and polar, at codon 34159 of the TTN protein (p.Ile34159Thr). This variant is not present in population databases (gnomAD no frequency). This variant has not been reported in the literature in individuals affected with TTN-related conditions. ClinVar contains an entry for this variant (Variation ID: 1040592). Experimental studies and prediction algorithms are not available or were not evaluated, and the functional significance of this variant is currently unknown. This variant is located in the M band of TTN (PMID: 25589632). Non-truncating variants in this region may be relevant for neuromuscular disorders, but have not been definitively shown to cause cardiomyopathy (PMID: 23975875). In summary, the available evidence is currently insufficient to determine the role of this variant in disease. Therefore, it has been classified as a Variant of Uncertain Significance.

Literature cited by the submitters: PubMed 25589632; PubMed 23975875.